The following is an entry in ClinVar:

ClinVar aggregate classification (germline): Uncertain significance. Review status: criteria provided, multiple submitters, no conflicts (2 of 4 stars). 2 submissions from 2 submitters: Uncertain significance (2). Last evaluated 2025-03-21.

Conditions:
Inborn genetic diseases. Identifiers: MedGen C0950123, MeSH D030342.

Allele frequency attached by ClinVar (database versions not stated): ExAC 0.00007.
gnomAD v4.1: 141 of 1,535,738 alleles (0.0092%); highest among the groups gnomAD compares: Admixed American, 0.023%; no homozygotes.

Submissions (2):

Ambry Genetics
Classification: Uncertain significance for Inborn genetic diseases. Last evaluated: 2025-03-21. Review status: criteria provided, single submitter. Criteria: Ambry Variant Classification Scheme 2023. Collection method: clinical testing. Allele origin: germline.

Labcorp Genetics (formerly Invitae), Labcorp
Classification: Uncertain significance. Last evaluated: 2024-02-24. Review status: criteria provided, single submitter. Criteria: Invitae Variant Classification Sherloc (09022015). Collection method: clinical testing. Allele origin: germline.
Comment: This sequence change replaces arginine, which is basic and polar, with serine, which is neutral and polar, at codon 260 of the IRX5 protein (p.Arg260Ser). This variant is present in population databases (rs199861709, gnomAD 0.02%). This variant has not been reported in the literature in individuals affected with IRX5-related conditions. ClinVar contains an entry for this variant (Variation ID: 2141429). Advanced modeling of protein sequence and biophysical properties (such as structural, functional, and spatial information, amino acid conservation, physicochemical variation, residue mobility, and thermodynamic stability) performed at Invitae indicates that this missense variant is not expected to disrupt IRX5 protein function with a negative predictive value of 80%. In summary, the available evidence is currently insufficient to determine the role of this variant in disease. Therefore, it has been classified as a Variant of Uncertain Significance.

NM_005853.6(IRX5):c.778C>A (p.Arg260Ser)

Gene: IRX5 (iroquois homeobox 5; plus strand). Cytogenetic location: 16q12.2.
Variant type: single nucleotide variant.
Coding change: c.778C>A on transcript NM_005853.6 (MANE Select); coding-DNA position 778, C replaced by A.
Protein change: p.Arg260Ser; replaces arginine 260 with serine.
Molecular consequence: missense variant.
Genome position (GRCh38, 1-based): chr16:54,933,199, C>A. VCF-style: chr16-54933199-C-A. GRCh37 (hg19) VCF-style: chr16-54967111-C-A.
Other names: c.775C>A, p.Arg259Ser (NM_001252197.1); c.778C>A (NM_005853.5); short protein forms R259S, R260S.
Identifiers: ClinVar variation 2141429 (VCV002141429.5), dbSNP rs199861709, ClinGen allele CA8059282.